The following is an entry in ClinVar:

ClinVar aggregate classification (germline): Uncertain significance (1 of 4 stars; one submission).

Conditions:
Aortic aneurysm, familial thoracic 4 (AAT4). Also called: AORTIC ANEURYSM/AORTIC DISSECTION AND PATENT DUCTUS ARTERIOSUS. Identifiers: MedGen C1851504, MONDO:0007568, OMIM 132900.

Submission:

Labcorp Genetics (formerly Invitae), Labcorp
Classification: Uncertain significance for Aortic aneurysm, familial thoracic 4. Last evaluated: 2025-09-27. Review status: criteria provided, single submitter. Criteria: Invitae Variant Classification Sherloc (09022015). Collection method: clinical testing. Allele origin: germline.
Comment: This sequence change replaces arginine, which is basic and polar, with glycine, which is neutral and non-polar, at codon 1739 of the MYH11 protein (p.Arg1739Gly). This variant is not present in population databases (gnomAD no frequency). This variant has not been reported in the literature in individuals affected with MYH11-related conditions. Invitae Evidence Modeling of protein sequence and biophysical properties (such as structural, functional, and spatial information, amino acid conservation, physicochemical variation, residue mobility, and thermodynamic stability) indicates that this missense variant is not expected to disrupt MYH11 protein function with a negative predictive value of 80%. In summary, the available evidence is currently insufficient to determine the role of this variant in disease. Therefore, it has been classified as a Variant of Uncertain Significance.

NM_002474.3(MYH11):c.5194C>G (p.Arg1732Gly)

Genes: NDE1 (nudE neurodevelopment protein 1; plus strand), MYH11 (myosin heavy chain 11; minus strand). Cytogenetic location: 16p13.11.
Variant type: single nucleotide variant.
Coding change: c.5194C>G on transcript NM_002474.3 (MANE Select); coding-DNA position 5194, C replaced by G.
Protein change: p.Arg1732Gly; replaces arginine 1732 with glycine.
Molecular consequence: missense variant. On other transcripts: intron variant (2).
Genome position (GRCh38, 1-based): chr16:15,718,416, G>C on the plus strand (C>G on the coding strand, the complement: MYH11 is on the minus strand). VCF-style: chr16-15718416-G-C. GRCh37 (hg19) VCF-style: chr16-15812273-G-C.
Other names: c.5215C>G, p.Arg1739Gly (NM_001040113.2, NM_001040114.2); c.5194C>G, p.Arg1732Gly (NM_022844.3); c.948-5775G>C (NM_001143979.2, NM_017668.3); short protein forms R1739G, R1732G.
Identifiers: ClinVar variation 4745866 (VCV004745866.1).
Genomic context (GRCh38, chr16:15,718,416, plus strand): 5'-TGTTGCCCTGCTCCTCCTCCAGCTCCTCCTCCAGCTGGGCGATCCGGGCCTCCAGGCGGC[G>C]CTTCTCGTCCTGGAGTGCGTTCCTGGGGGAAGGGCGGCCATGGTGGGGGCCTCTACCCTC-3'
Protein context (NP_002465.1, residues 1722-1742): SGRNALQDEK[Arg1732Gly]RLEARIAQLE